The following is an entry in ClinVar:

ClinVar aggregate classification (germline): Pathogenic/Likely pathogenic. Review status: criteria provided, multiple submitters, no conflicts (2 of 4 stars). 6 submissions from 6 submitters: Pathogenic (2); Likely pathogenic (4). Last evaluated 2025-04-30.

Conditions:
Curry-Hall syndrome (WAD). Also called: WEYERS ACRODENTAL DYSOSTOSIS. Identifiers: Orphanet 952, MedGen C0457013, MONDO:0008673, OMIM 193530.
Ellis-van Creveld syndrome (EVC). Also called: Chondroectodermal dysplasia; MESOECTODERMAL DYSPLASIA. Identifiers: Orphanet 289, MedGen C0013903, MONDO:0009162, OMIM 225500.

Allele frequency attached by ClinVar (database versions not stated): gnomAD exomes 0.00002; TOPMed 0.00002; ExAC 0.00003; gnomAD 0.00003.
gnomAD v4.1: 33 of 1,614,046 alleles (0.002%); highest among the groups gnomAD compares: Non-Finnish European, 0.0028%; no homozygotes.

Submissions (7):

Myriad Genetics, Inc.
Classification: Likely pathogenic for Ellis-van Creveld syndrome. Last evaluated: 2025-04-30. Review status: criteria provided, single submitter. Criteria: Myriad Autosomal Dominant, Autosomal Recessive and X-Linked Classification Criteria (2023). Collection method: clinical testing. Allele origin: unknown.
Comment: NM_153717.2(EVC):c.175-2A>G is a variant in a canonical splice site classified as likely pathogenic in the context of EVC-related Ellis-van Creveld syndrome. c.175-2A>G has been observed in cases with relevant disease (PMID: 19810119, Kocaman_2024_Abstract). Relevant functional assessments of this variant are not available in the literature. c.175-2A>G has been observed in referenced population frequency databases. In summary, NM_153717.2(EVC):c.175-2A>G is a variant in a canonical splice site in a gene where loss of function is a known mechanism of disease, is predicted to disrupt protein function, and has been observed more frequently in cases with the relevant disease than in healthy populations. Please note: this variant was assessed in the context of healthy population screening.

CeGaT Center for Human Genetics Tuebingen
Classification: Pathogenic. Last evaluated: 2024-10-01. Review status: criteria provided, single submitter. Criteria: CeGaT Center For Human Genetics Tuebingen Variant Classification Criteria Version 2. Collection method: clinical testing. Allele origin: germline. Affected: yes. Observed: 1 variant allele.
Comment: EVC: PVS1, PM2, PM3:Supporting

Natera, Inc.
Classification: Likely pathogenic for Ellis-van Creveld syndrome. Last evaluated: 2024-09-17. Review status: criteria provided, single submitter. Criteria: Natera Variant Classification Schema (03/2026). Collection method: clinical testing. Allele origin: germline.
Comment: The c.175-2A>G variant in EVC is a canonical splice acceptor site variant predicted to affect pre-mRNA splicing, which may result in an abnormal transcript and altered protein product. This variant may result in a truncated or dysfunctional protein product. This variant is rare in the general population with a frequency below the threshold expected for the associated phenotype(s). This variant has been observed in one or more individuals affected with the associated recessive disease, as either homozygous or compound heterozygous with a second variant (PMID: 19810119). Given the available evidence, this variant is classified as Likely Pathogenic.

Labcorp Genetics (formerly Invitae), Labcorp
Classification: Likely pathogenic for Curry-Hall syndrome; Ellis-van Creveld syndrome. Last evaluated: 2024-04-04. Review status: criteria provided, single submitter. Criteria: Invitae Variant Classification Sherloc (09022015). Collection method: clinical testing. Allele origin: germline.
Comment: This sequence change affects an acceptor splice site in intron 1 of the EVC gene. It is expected to disrupt RNA splicing. Variants that disrupt the donor or acceptor splice site typically lead to a loss of protein function (PMID: 16199547), and loss-of-function variants in EVC are known to be pathogenic (PMID: 23220543). This variant is present in population databases (rs767186464, gnomAD 0.004%). Disruption of this splice site has been observed in individual(s) with Ellis-van Creveld syndrome (PMID: 19810119). ClinVar contains an entry for this variant (Variation ID: 1066868). Algorithms developed to predict the effect of sequence changes on RNA splicing suggest that this variant may disrupt the consensus splice site. In summary, the currently available evidence indicates that the variant is pathogenic, but additional data are needed to prove that conclusively. Therefore, this variant has been classified as Likely Pathogenic.

Fulgent Genetics
Classification: Likely pathogenic for Curry-Hall syndrome; Ellis-van Creveld syndrome. Last evaluated: 2024-03-12. Review status: criteria provided, single submitter. Criteria: ACMG Guidelines, 2015. Collection method: clinical testing. Allele origin: germline.

Intergen Genetics and Rare Diseases Diagnosis Center
Classification: Pathogenic for Ellis-van Creveld syndrome. Last evaluated: 2023-08-31. Review status: criteria provided, single submitter. Criteria: ACMG Guidelines, 2015. Collection method: clinical testing. Allele origin: biparental. Inheritance: Autosomal recessive inheritance. Affected: yes. Observed: 1 homozygote.

Dr. Peter K. Rogan Lab, Western University
No classification provided (evidence only). Condition: Chronic lymphocytic leukemia/small lymphocytic lymphoma. Review status: no classification provided. Collection method: in vitro. Allele origin: not applicable. Functional consequence: skipped exon, retained intron. Not counted in ClinVar's aggregate classification.

Literature cited by the submitters: PubMed 19810119 (cited by Natera, Inc. and Labcorp Genetics (formerly Invitae), Labcorp); PubMed 16199547 (cited by Labcorp Genetics (formerly Invitae), Labcorp); PubMed 23220543 (cited by Labcorp Genetics (formerly Invitae), Labcorp).

NM_153717.3(EVC):c.175-2A>G

Gene: EVC (EvC ciliary complex subunit 1; plus strand). Cytogenetic location: 4p16.2.
Variant type: single nucleotide variant.
Coding change: c.175-2A>G on transcript NM_153717.3 (MANE Select); the canonical splice acceptor site of the intron before coding-DNA position 175, A replaced by G.
Molecular consequence: splice acceptor variant.
Genome position (GRCh38, 1-based): chr4:5,719,246, A>G. VCF-style: chr4-5719246-A-G. GRCh37 (hg19) VCF-style: chr4-5720973-A-G.
Other names: c.175-2A>G (NM_001306090.2, NM_001306092.2, NM_153717.2).
Identifiers: ClinVar variation 1066868 (VCV001066868.28), dbSNP rs767186464, ClinGen allele CA2835585.